The following is an entry in ClinVar:

NM_004329.3(BMPR1A):c.219_230del (p.Asn73_Ile77delinsLys)

Gene: BMPR1A (bone morphogenetic protein receptor type 1A; plus strand). Cytogenetic location: 10q23.2.
Variant type: Deletion.
Coding change: c.219_230del on transcript NM_004329.3 (MANE Select); coding-DNA positions 219 to 230, 12 bases deleted (TAACACATGCAT).
Protein change: p.Asn73_Ile77delinsLys.
Molecular consequence: inframe indel.
Genome position (GRCh38, 1-based): chr10:86,890,213-86,890,224, TAACACATGCAT deleted. VCF-style (leftmost placement, unchanged base first): chr10-86890212-ATAACACATGCAT-A. GRCh37 (hg19) VCF-style: chr10-88649969-ATAACACATGCAT-A.
Identifiers: ClinVar variation 1368146 (VCV001368146.6), dbSNP rs2133396668, ClinGen allele CA2573145691.

ClinVar aggregate classification (germline): Uncertain significance (1 of 4 stars; one submission).

Conditions:
Juvenile polyposis syndrome (JPS). Identifiers: Orphanet 2929, MedGen C0345893, MONDO:0017380, OMIM 174900.

Submission:

Labcorp Genetics (formerly Invitae), Labcorp
Classification: Uncertain significance for Juvenile polyposis syndrome. Last evaluated: 2025-11-09. Review status: criteria provided, single submitter. Criteria: Invitae Variant Classification Sherloc (09022015). Collection method: clinical testing. Allele origin: germline.
Comment: This variant, c.219_230del, is a complex sequence change that results in the deletion of 5 and insertion of 1 amino acid(s) in the BMPR1A protein (p.Asn73_Ile77delinsLys). This variant also falls at the last nucleotide of exon 4. This variant is not present in population databases (gnomAD no frequency). This variant has been observed in individual(s) with juvenile polyposis (internal data). ClinVar contains an entry for this variant (Variation ID: 1368146). Algorithms developed to predict the effect of sequence changes on RNA splicing suggest that this variant may disrupt the consensus splice site. In summary, the available evidence is currently insufficient to determine the role of this variant in disease. Therefore, it has been classified as a Variant of Uncertain Significance.